The following is an entry in ClinVar:

ClinVar aggregate classification (germline): Conflicting classifications of pathogenicity. Review status: criteria provided, conflicting classifications (1 of 4 stars). 4 submissions from 4 submitters: Uncertain significance (2); Likely benign (2). Last evaluated 2026-02-01.

Conditions:
Myopathy, proximal, and ophthalmoplegia (CMYO6). Also called: INCLUSION BODY MYOPATHY 3, AUTOSOMAL DOMINANT; CONGENITAL MYOPATHY 6 WITH OPHTHALMOPLEGIA; MYOPATHY WITH CONGENITAL JOINT CONTRACTURES, OPHTHALMOPLEGIA, AND RIMMED VACUOLES. Identifiers: Orphanet 363677, Orphanet 79091, MedGen C1854106, MONDO:0011577, OMIM 605637.
Inborn genetic diseases. Identifiers: MedGen C0950123, MeSH D030342.

Allele frequency attached by ClinVar (database versions not stated): gnomAD exomes 0.00014 and 0.00027; TOPMed 0.00017; gnomAD 0.00018 and 0.00019; ESP Exome Variant Server 0.00023; ExAC 0.00029.

Submissions (4):

Labcorp Genetics (formerly Invitae), Labcorp
Classification: Likely benign for Myopathy, proximal, and ophthalmoplegia. Last evaluated: 2026-02-01. Review status: criteria provided, single submitter. Criteria: Invitae Variant Classification Sherloc (09022015). Collection method: clinical testing. Allele origin: germline.

Revvity Omics, Revvity
Classification: Uncertain significance for Myopathy, proximal, and ophthalmoplegia. Last evaluated: 2023-02-07. Review status: criteria provided, single submitter. Criteria: ACMG Guidelines, 2015. Collection method: clinical testing. Allele origin: germline.

Ambry Genetics
Classification: Uncertain significance for Inborn genetic diseases. Last evaluated: 2022-03-29. Review status: criteria provided, single submitter. Criteria: Ambry Variant Classification Scheme 2023. Collection method: clinical testing. Allele origin: germline.

GeneDx
Classification: Likely benign. Last evaluated: 2019-04-17. Review status: criteria provided, single submitter. Criteria: GeneDx Variant Classification Process June 2021. Collection method: clinical testing. Allele origin: germline. Affected: yes.
Comment: In silico analysis, which includes protein predictors and evolutionary conservation, supports a deleterious effect

NM_017534.6(MYH2):c.4304T>C (p.Met1435Thr)

Genes: MYH2 (myosin heavy chain 2; minus strand), MYHAS (myosin heavy chain gene cluster antisense RNA; plus strand). Cytogenetic location: 17p13.1.
Variant type: single nucleotide variant.
Coding change: c.4304T>C on transcript NM_017534.6 (MANE Select); coding-DNA position 4304, T replaced by C.
Protein change: p.Met1435Thr; replaces methionine 1435 with threonine.
Molecular consequence: missense variant.
Genome position (GRCh38, 1-based): chr17:10,525,760, A>G on the plus strand (T>C on the coding strand, the complement: MYH2 is on the minus strand). VCF-style: chr17-10525760-A-G. GRCh37 (hg19) VCF-style: chr17-10429077-A-G.
Other names: c.4304T>C, p.Met1435Thr (NM_001100112.2); short protein forms M1435T.
Identifiers: ClinVar variation 705415 (VCV000705415.16), dbSNP rs139691540, ClinGen allele CA8390667.
Genomic context (GRCh38, chr17:10,525,760, plus strand): 5'-AAGTTCCTTTGCTTTTTGTCAAGGGCGGCACAGGCGGCATTTGTCCTCTCCACATCAAGC[A>G]TGAGGTCCTCGACCTCATTCTGCAGCCGCTGCTTCGTCTTTTCGAGGGAAGCACATTTGG-3'
Protein context (NP_060004.3, residues 1425-1445): QRLQNEVEDL[Met1435Thr]LDVERTNAAC